The following is an entry in ClinVar:

ClinVar aggregate classification (germline): Uncertain significance. Review status: criteria provided, multiple submitters, no conflicts (2 of 4 stars). 3 submissions from 3 submitters: Uncertain significance (3). Last evaluated 2025-11-27.

Conditions:
Myopathy, proximal, and ophthalmoplegia (CMYO6). Also called: CONGENITAL MYOPATHY 6 WITH OPHTHALMOPLEGIA; MYOPATHY WITH CONGENITAL JOINT CONTRACTURES, OPHTHALMOPLEGIA, AND RIMMED VACUOLES; INCLUSION BODY MYOPATHY 3, AUTOSOMAL DOMINANT. Identifiers: Orphanet 363677, Orphanet 79091, MedGen C1854106, MONDO:0011577, OMIM 605637.

Allele frequency attached by ClinVar (database versions not stated): ExAC 0.00002; gnomAD exomes 0.00002 and 0.00003; TOPMed 0.00002; gnomAD 0.00005; 1000 Genomes Project 30x 0.00016; 1000 Genomes Project 0.00020.

Submissions (3):

Labcorp Genetics (formerly Invitae), Labcorp
Classification: Uncertain significance for Myopathy, proximal, and ophthalmoplegia. Last evaluated: 2025-11-27. Review status: criteria provided, single submitter. Criteria: Invitae Variant Classification Sherloc (09022015). Collection method: clinical testing. Allele origin: germline.
Comment: This sequence change replaces arginine, which is basic and polar, with tryptophan, which is neutral and slightly polar, at codon 1668 of the MYH2 protein (p.Arg1668Trp). This variant is present in population databases (rs569489518, gnomAD 0.01%). This variant has not been reported in the literature in individuals affected with MYH2-related conditions. ClinVar contains an entry for this variant (Variation ID: 859131). Invitae Evidence Modeling of protein sequence and biophysical properties (such as structural, functional, and spatial information, amino acid conservation, physicochemical variation, residue mobility, and thermodynamic stability) indicates that this missense variant is expected to disrupt MYH2 protein function with a positive predictive value of 80%. In summary, the available evidence is currently insufficient to determine the role of this variant in disease. Therefore, it has been classified as a Variant of Uncertain Significance.

Genomic Medicine Center of Excellence, King Faisal Specialist Hospital and Research Centre
Classification: Uncertain significance for Myopathy, proximal, and ophthalmoplegia. Last evaluated: 2024-03-25. Review status: criteria provided, single submitter. Criteria: ACMG Guidelines, 2015. Collection method: research. Allele origin: germline.

Blueprint Genetics
Classification: Uncertain significance. Last evaluated: 2021-05-27. Review status: criteria provided, single submitter. Criteria: ACMG Guidelines, 2015. Collection method: clinical testing. Allele origin: germline.

NM_017534.6(MYH2):c.5002C>T (p.Arg1668Trp)

Genes: MYH2 (myosin heavy chain 2; minus strand), MYHAS (myosin heavy chain gene cluster antisense RNA; plus strand), LOC126862500 (BRD4-independent group 4 enhancer GRCh37_chr17:10427829-10429028; plus strand). Cytogenetic location: 17p13.1.
Variant type: single nucleotide variant.
Coding change: c.5002C>T on transcript NM_017534.6 (MANE Select); coding-DNA position 5002, C replaced by T.
Protein change: p.Arg1668Trp; replaces arginine 1668 with tryptophan.
Molecular consequence: missense variant.
Genome position (GRCh38, 1-based): chr17:10,524,639, G>A on the plus strand (C>T on the coding strand, the complement: MYH2 is on the minus strand). VCF-style: chr17-10524639-G-A. GRCh37 (hg19) VCF-style: chr17-10427956-G-A.
Other names: c.5002C>T (NM_001100112.1); c.5002C>T, p.Arg1668Trp (NM_001100112.2); short protein forms R1668W.
Identifiers: ClinVar variation 859131 (VCV000859131.10), dbSNP rs569489518, ClinGen allele CA8390512.